The following is an entry in ClinVar:

NM_004035.7(ACOX1):c.945-1G>C

Gene: ACOX1 (acyl-CoA oxidase 1; minus strand). Cytogenetic location: 17q25.1.
Variant type: single nucleotide variant.
Coding change: c.945-1G>C on transcript NM_004035.7 (MANE Select); the canonical splice acceptor site of the intron before coding-DNA position 945, G replaced by C.
Molecular consequence: splice acceptor variant.
Genome position (GRCh38, 1-based): chr17:75,951,578, C>G on the plus strand (G>C on the coding strand, the complement: ACOX1 is on the minus strand). VCF-style: chr17-75951578-C-G. GRCh37 (hg19) VCF-style: chr17-73947659-C-G.
Other names: c.945-1G>C (NM_007292.6); c.831-1G>C (NM_001185039.2).
Identifiers: ClinVar variation 1511590 (VCV001511590.7), dbSNP rs2144242585, ClinGen allele CA401064719.
Genomic context (GRCh38, chr17:75,951,578, plus strand): 5'-AGGAGTGGAAAGAGTTTATACTGCTGGGTTTGAAAATCCAAAATCTGTGGTTCTGGTTCA[C>G]TACGTGACATAGAAAAAGAAAAAAAGTAGTAAGTAAATGTTTATACAGAACTTTCTATAT-3'

ClinVar aggregate classification (germline): Likely pathogenic. Review status: criteria provided, multiple submitters, no conflicts (2 of 4 stars). 2 submissions from 2 submitters: Likely pathogenic (2). Last evaluated 2022-03-30.

Conditions:
Acyl-CoA oxidase deficiency. Also called: STRAIGHT-CHAIN ACYL-CoA OXIDASE DEFICIENCY; Pseudoneonatal adrenoleukodystrophy; Peroxisomal acyl-CoA oxidase deficiency. Identifiers: Orphanet 2971, MedGen C1849678, MONDO:0009919, OMIM 264470. Disease mechanism: loss of function.
Mitchell syndrome. Identifiers: Orphanet 631248, MedGen C5394554, MONDO:0030073, OMIM 618960.

Allele frequency attached by ClinVar (database versions not stated): gnomAD exomes below 0.00001.
gnomAD v4.1: 1 of 1,614,078 alleles (0.000062%); highest among the groups gnomAD compares: Non-Finnish European, 0.000085%; no homozygotes.

Submissions (2):

Baylor Genetics
Classification: Likely pathogenic for Mitchell syndrome. Last evaluated: 2022-03-30. Review status: criteria provided, single submitter. Criteria: ACMG Guidelines, 2015. Collection method: clinical testing. Allele origin: unknown.

Labcorp Genetics (formerly Invitae), Labcorp
Classification: Likely pathogenic for Acyl-CoA oxidase deficiency. Last evaluated: 2021-12-15. Review status: criteria provided, single submitter. Criteria: Invitae Variant Classification Sherloc (09022015). Collection method: clinical testing. Allele origin: germline.
Comment: This sequence change affects an acceptor splice site in intron 7 of the ACOX1 gene. It is expected to disrupt RNA splicing. Variants that disrupt the donor or acceptor splice site typically lead to a loss of protein function (PMID: 16199547), and loss-of-function variants in ACOX1 are known to be pathogenic (PMID: 8040306, 17458872). In summary, the currently available evidence indicates that the variant is pathogenic, but additional data are needed to prove that conclusively. Therefore, this variant has been classified as Likely Pathogenic. Algorithms developed to predict the effect of sequence changes on RNA splicing suggest that this variant may disrupt the consensus splice site. This variant has not been reported in the literature in individuals affected with ACOX1-related conditions. This variant is not present in population databases (gnomAD no frequency).

Literature cited by the submitters: PubMed 16199547 (cited by Labcorp Genetics (formerly Invitae), Labcorp); PubMed 8040306 (cited by Labcorp Genetics (formerly Invitae), Labcorp); PubMed 17458872 (cited by Labcorp Genetics (formerly Invitae), Labcorp).